The following is an entry in ClinVar:

ClinVar aggregate classification (germline): Uncertain significance (1 of 4 stars; one submission).

gnomAD v4.1: 2 of 1,613,838 alleles (0.00012%); highest among the groups gnomAD compares: Admixed American, 0.0033%; no homozygotes.

Submission:

Labcorp Genetics (formerly Invitae), Labcorp
Classification: Uncertain significance. Last evaluated: 2024-10-22. Review status: criteria provided, single submitter. Criteria: Invitae Variant Classification Sherloc (09022015). Collection method: clinical testing. Allele origin: germline.
Comment: This sequence change replaces isoleucine, which is neutral and non-polar, with valine, which is neutral and non-polar, at codon 79 of the AKR1C4 protein (p.Ile79Val). This variant is present in population databases (no rsID available, gnomAD 0.003%). This variant has not been reported in the literature in individuals affected with AKR1C4-related conditions. Invitae Evidence Modeling of protein sequence and biophysical properties (such as structural, functional, and spatial information, amino acid conservation, physicochemical variation, residue mobility, and thermodynamic stability) indicates that this missense variant is not expected to disrupt AKR1C4 protein function with a negative predictive value of 80%. In summary, the available evidence is currently insufficient to determine the role of this variant in disease. Therefore, it has been classified as a Variant of Uncertain Significance.

NM_001818.5(AKR1C4):c.235A>G (p.Ile79Val)

Gene: AKR1C4 (aldo-keto reductase family 1 member C4; plus strand). Cytogenetic location: 10p15.1.
Variant type: single nucleotide variant.
Coding change: c.235A>G on transcript NM_001818.5 (MANE Select); coding-DNA position 235, A replaced by G.
Protein change: p.Ile79Val; replaces isoleucine 79 with valine.
Molecular consequence: missense variant.
Genome position (GRCh38, 1-based): chr10:5,200,331, A>G. VCF-style: chr10-5200331-A-G. GRCh37 (hg19) VCF-style: chr10-5242294-A-G.
Other names: short protein forms I79V.
Identifiers: ClinVar variation 3627829 (VCV003627829.2).